The following is an entry in ClinVar:

ClinVar aggregate classification (germline): Uncertain significance (1 of 4 stars; one submission).

Allele frequency attached by ClinVar (database versions not stated): gnomAD exomes 0.00001; ExAC 0.00002; TOPMed 0.00002.

Submission:

Labcorp Genetics (formerly Invitae), Labcorp
Classification: Uncertain significance. Last evaluated: 2025-06-14. Review status: criteria provided, single submitter. Criteria: Invitae Variant Classification Sherloc (09022015). Collection method: clinical testing. Allele origin: germline.
Comment: This sequence change replaces proline, which is neutral and non-polar, with serine, which is neutral and polar, at codon 102 of the PCGF2 protein (p.Pro102Ser). This variant is present in population databases (rs764992830, gnomAD 0.009%). This variant has not been reported in the literature in individuals affected with PCGF2-related conditions. ClinVar contains an entry for this variant (Variation ID: 1945366). Invitae Evidence Modeling of protein sequence and biophysical properties (such as structural, functional, and spatial information, amino acid conservation, physicochemical variation, residue mobility, and thermodynamic stability) indicates that this missense variant is not expected to disrupt PCGF2 protein function with a negative predictive value of 80%. In summary, the available evidence is currently insufficient to determine the role of this variant in disease. Therefore, it has been classified as a Variant of Uncertain Significance.

NM_007144.3(PCGF2):c.304C>T (p.Pro102Ser)

Gene: PCGF2 (polycomb group ring finger 2; minus strand). Cytogenetic location: 17q12.
Variant type: single nucleotide variant.
Coding change: c.304C>T on transcript NM_007144.3 (MANE Select); coding-DNA position 304, C replaced by T.
Protein change: p.Pro102Ser; replaces proline 102 with serine.
Molecular consequence: missense variant.
Genome position (GRCh38, 1-based): chr17:38,739,080, G>A on the plus strand (C>T on the coding strand, the complement: PCGF2 is on the minus strand). VCF-style: chr17-38739080-G-A. GRCh37 (hg19) VCF-style: chr17-36895333-G-A.
Other names: c.304C>T, p.Pro102Ser (NM_001369614.1, NM_001369615.1); short protein forms P102S.
Identifiers: ClinVar variation 1945366 (VCV001945366.5), dbSNP rs764992830, ClinGen allele CA8525056.